The following is an entry in ClinVar:

ClinVar aggregate classification (germline): Pathogenic. Review status: criteria provided, multiple submitters, no conflicts (2 of 4 stars). 4 submissions from 4 submitters: Pathogenic (4). Last evaluated 2025-02-17.

Conditions:
Epidermolysis bullosa dystrophica. Also called: Dystrophic epidermolysis bullosa, Hallopeau-Siemens type (formerly); Dystrophic epidermolysis bullosa. Identifiers: Orphanet 303, MedGen C0079294, MONDO:0006543.
Epidermolysis bullosa simplex 1A, generalized severe (EBS1A). Also called: Epidermolysis bullosa simplex Dowling-Meara type. Identifiers: Orphanet 79396, MedGen C0079295, MONDO:0007550, OMIM 131760.

Submissions (4):

Labcorp Genetics (formerly Invitae), Labcorp
Classification: Pathogenic. Last evaluated: 2025-02-17. Review status: criteria provided, single submitter. Criteria: Invitae Variant Classification Sherloc (09022015). Collection method: clinical testing. Allele origin: germline.
Comment: This sequence change creates a premature translational stop signal (p.Ala1517Glyfs*3) in the COL7A1 gene. It is expected to result in an absent or disrupted protein product. Loss-of-function variants in COL7A1 are known to be pathogenic (PMID: 16971478). This variant is present in population databases (rs756897026, gnomAD 0.003%). This variant has not been reported in the literature in individuals affected with COL7A1-related conditions. ClinVar contains an entry for this variant (Variation ID: 1048111). For these reasons, this variant has been classified as Pathogenic.

Centro de Genética y Biología Molecular, Universidad de San Martín de Porres
Classification: Pathogenic for Epidermolysis bullosa simplex 1A, generalized severe. Last evaluated: 2020-01-20. Review status: criteria provided, single submitter. Criteria: ACMG Guidelines, 2015. Collection method: research. Allele origin: biparental. Inheritance: Autosomal dominant inheritance. Affected: yes. Observed: 1 homozygote.
Comment: Pathogenic variant is caused by a 5 nucleotide deletion (frameshift). and ClinVar has an entry. It is present in population databases (rs756897026, gnomAD 0.003%) and the change creates a premature translational stop signal (p.Ala1517Glyfs*3) in the COL7A1 gene, that is expected to result in an absent or disrupted protein product. Loss-of-function variants in COL7A1 are known to be pathogenic.

GeneDx
Classification: Pathogenic. Last evaluated: 2019-12-13. Review status: criteria provided, single submitter. Criteria: GeneDx Variant Classification Process June 2021. Collection method: clinical testing. Allele origin: germline. Affected: yes.
Comment: Frameshift variant predicted to result in protein truncation or nonsense mediated decay in a gene for which loss-of-function is a known mechanism of disease; Not observed at a significant frequency in large population cohorts (Lek et al., 2016); Has not been previously published as pathogenic or benign to our knowledge

Biomedical Innovation Departament, CIEMAT
Classification: Pathogenic for Dystrophic epidermolysis bullosa. Last evaluated: 2018-04-05. Review status: criteria provided, single submitter. Criteria: ACMG Guidelines, 2015. Collection method: research. Allele origin: germline. Affected: yes. Observed: 1 variant allele.

Literature cited by the submitters: PubMed 16971478 (cited by Labcorp Genetics (formerly Invitae), Labcorp and Centro de Genética y Biología Molecular, Universidad de San Martín de Porres).

NM_000094.4(COL7A1):c.4550_4554del (p.Ala1517fs)

Gene: COL7A1 (collagen type VII alpha 1 chain; minus strand). Cytogenetic location: 3p21.31.
Variant type: Deletion.
Coding change: c.4550_4554del on transcript NM_000094.4 (MANE Select); coding-DNA positions 4550 to 4554, 5 bases deleted (CCAAG; older notation c.4550_4554delCCAAG).
Protein change: p.Ala1517fs; shifts the reading frame from alanine 1517.
Molecular consequence: frameshift variant.
Genome position (GRCh38, 1-based): chr3:48,582,618-48,582,622, CTTGG deleted on the plus strand (CCAAG on the coding strand, the reverse complement: COL7A1 is on the minus strand); deleting any 5 consecutive bases within chr3:48,582,618-48,582,624 gives the same sequence; the c. name uses the placement nearest the transcript's 3' end. VCF-style (leftmost placement, unchanged base first): chr3-48582617-CCTTGG-C. GRCh37 (hg19) VCF-style: chr3-48620050-CCTTGG-C.
Other names: c.4550_4554delCCAAG (NM_000094.3, NM_000094.4); c.4550_4554del (NM_000094.3); short protein forms A1517fs.
Identifiers: ClinVar variation 1048111 (VCV001048111.8), dbSNP rs756897026, ClinGen allele CA2379963.